The following is an entry in ClinVar:

ClinVar aggregate classification (germline): Uncertain significance. Review status: criteria provided, multiple submitters, no conflicts (2 of 4 stars). 3 submissions from 3 submitters: Uncertain significance (3). Last evaluated 2026-07-06.

Conditions:
Fumarase deficiency (FMRD). Also called: Fumarate Hydratase Deficiency; Fumaric aciduria. Identifiers: Orphanet 24, MedGen C0342770, MONDO:0011730, OMIM 606812.
Hereditary cancer-predisposing syndrome. Also called: Hereditary Cancer Syndrome; Hereditary neoplastic syndrome; Neoplastic Syndromes, Hereditary; Tumor predisposition. Identifiers: Orphanet 140162, MedGen C0027672, MeSH D009386, MONDO:0015356.

Submissions (3):

Ambry Genetics
Classification: Uncertain significance for Hereditary cancer-predisposing syndrome. Last evaluated: 2026-07-06. Review status: criteria provided, single submitter. Criteria: Ambry Variant Classification Scheme 2023. Collection method: clinical testing. Allele origin: germline.
Comment: The p.I269M variant (also known as c.807C>G), located in coding exon 6 of the FH gene, results from a C to G substitution at nucleotide position 807. The isoleucine at codon 269 is replaced by methionine, an amino acid with highly similar properties. This amino acid position is conserved. In addition, the in silico prediction for this alteration is inconclusive. Based on the available evidence, the clinical significance of this variant remains unclear.

Baylor Genetics
Classification: Uncertain significance for Fumarase deficiency. Last evaluated: 2023-11-12. Review status: criteria provided, single submitter. Criteria: ACMG Guidelines, 2015. Collection method: clinical testing. Allele origin: unknown.

Labcorp Genetics (formerly Invitae), Labcorp
Classification: Uncertain significance. Last evaluated: 2023-07-07. Review status: criteria provided, single submitter. Criteria: Invitae Variant Classification Sherloc (09022015). Collection method: clinical testing. Allele origin: germline.
Comment: This sequence change replaces isoleucine, which is neutral and non-polar, with methionine, which is neutral and non-polar, at codon 269 of the FH protein (p.Ile269Met). This variant is not present in population databases (gnomAD no frequency). This variant has not been reported in the literature in individuals affected with FH-related conditions. Advanced modeling of protein sequence and biophysical properties (such as structural, functional, and spatial information, amino acid conservation, physicochemical variation, residue mobility, and thermodynamic stability) performed at Invitae indicates that this missense variant is not expected to disrupt FH protein function. In summary, the available evidence is currently insufficient to determine the role of this variant in disease. Therefore, it has been classified as a Variant of Uncertain Significance.

NM_000143.4(FH):c.807C>G (p.Ile269Met)

Gene: FH (fumarate hydratase; minus strand). Cytogenetic location: 1q43.
Variant type: single nucleotide variant.
Coding change: c.807C>G on transcript NM_000143.4 (MANE Select); coding-DNA position 807, C replaced by G.
Protein change: p.Ile269Met; replaces isoleucine 269 with methionine.
Molecular consequence: missense variant.
Genome position (GRCh38, 1-based): chr1:241,506,100, G>C on the plus strand (C>G on the coding strand, the complement: FH is on the minus strand). VCF-style: chr1-241506100-G-C. GRCh37 (hg19) VCF-style: chr1-241669400-G-C.
Other names: short protein forms I269M.
Identifiers: ClinVar variation 2878646 (VCV002878646.5), dbSNP rs2147917660, ClinGen allele CA345438981.